The following is an entry in ClinVar:

ClinVar aggregate classification (germline): Uncertain significance (1 of 4 stars; one submission).

Submission:

Labcorp Genetics (formerly Invitae), Labcorp
Classification: Uncertain significance. Last evaluated: 2026-01-04. Review status: criteria provided, single submitter. Criteria: Invitae Variant Classification Sherloc (09022015). Collection method: clinical testing. Allele origin: germline.
Comment: This sequence change replaces glycine, which is neutral and non-polar, with valine, which is neutral and non-polar, at codon 178 of the TNFRSF6B protein (p.Gly178Val). The frequency data for this variant in the population databases is considered unreliable, as metrics indicate poor data quality at this position in the gnomAD database. This variant has not been reported in the literature in individuals affected with TNFRSF6B-related conditions. An algorithm developed to predict the effect of missense changes on protein structure and function (PolyPhen-2) suggests that this variant is likely to be disruptive. In summary, the available evidence is currently insufficient to determine the role of this variant in disease. Therefore, it has been classified as a Variant of Uncertain Significance.

NM_003823.4(TNFRSF6B):c.533G>T (p.Gly178Val)

Genes: RTEL1-TNFRSF6B (RTEL1-TNFRSF6B readthrough (NMD candidate); plus strand), TNFRSF6B (TNF receptor superfamily member 6b; plus strand). Cytogenetic location: 20q13.33.
Variant type: single nucleotide variant.
Coding change: c.533G>T on transcript NM_003823.4 (MANE Select); coding-DNA position 533, G replaced by T.
Protein change: p.Gly178Val; replaces glycine 178 with valine.
Molecular consequence: missense variant. On other transcripts: non-coding transcript variant (1).
Genome position (GRCh38, 1-based): chr20:63,697,436, G>T. VCF-style: chr20-63697436-G-T. GRCh37 (hg19) VCF-style: chr20-62328789-G-T.
Other names: short protein forms G178V.
Identifiers: ClinVar variation 4798839 (VCV004798839.1).
Genomic context (GRCh38, chr20:63,697,436, plus strand): 5'-TCTCAGCCAGCAGCTCCAGCTCAGAGCAGTGCCAGCCCCACCGCAACTGCACGGCCCTGG[G>T]CCTGGCCCTCAATGTGCCAGGCTCTTCCTCCCATGACACCCTGTGCACCAGCTGCACTGG-3'
Protein context (NP_003814.1, residues 168-188): CQPHRNCTAL[Gly178Val]LALNVPGSSS